The following is an entry in ClinVar:

ClinVar aggregate classification (germline): Likely benign. Review status: criteria provided, single submitter (1 of 4 stars). 2 submissions from 2 submitters: Likely benign (1). 1 of the submissions does not count toward it. Last evaluated 2024-05-08.

Conditions:
DYNC1H1-related disorder. Also called: DYNC1H1-related condition; DYNC1H1-related disorders. Identifiers: MedGen CN381529.
Charcot-Marie-Tooth disease axonal type 2O. Also called: CHARCOT-MARIE-TOOTH NEUROPATHY, AXONAL, TYPE 2O; CHARCOT-MARIE-TOOTH DISEASE, AXONAL, AUTOSOMAL DOMINANT, TYPE 2O; Charcot-Marie-Tooth Neuropathy Type 2O; Charcot-Marie-Tooth disease, axonal, type 20. Identifiers: Orphanet 284232, MedGen C3280220, MONDO:0013644, OMIM 614228.

gnomAD v4.1: 1 of 1,614,218 alleles (0.000062%); highest among the groups gnomAD compares: Admixed American, 0.0017%; no homozygotes.

Submissions (2):

Labcorp Genetics (formerly Invitae), Labcorp
Classification: Likely benign for Charcot-Marie-Tooth disease axonal type 2O. Last evaluated: 2024-05-08. Review status: criteria provided, single submitter. Criteria: Invitae Variant Classification Sherloc (09022015). Collection method: clinical testing. Allele origin: germline.

PreventionGenetics, part of Exact Sciences
Classification: Likely benign for DYNC1H1-related condition. Last evaluated: 2022-04-19. Review status: no assertion criteria provided. Collection method: clinical testing. Allele origin: germline. Not counted in ClinVar's aggregate classification.
Comment: This variant is classified as likely benign based on ACMG/AMP sequence variant interpretation guidelines (Richards et al. 2015 PMID: 25741868, with internal and published modifications).

NM_001376.5(DYNC1H1):c.8574C>T (p.Phe2858=)

Gene: DYNC1H1 (dynein cytoplasmic 1 heavy chain 1; plus strand). Cytogenetic location: 14q32.31.
Variant type: single nucleotide variant.
Coding change: c.8574C>T on transcript NM_001376.5 (MANE Select); coding-DNA position 8574, C replaced by T.
Protein change: p.Phe2858=; no amino-acid change (phenylalanine 2858 retained).
Molecular consequence: synonymous variant.
Genome position (GRCh38, 1-based): chr14:102,022,817, C>T. VCF-style: chr14-102022817-C-T. GRCh37 (hg19) VCF-style: chr14-102489154-C-T.
Identifiers: ClinVar variation 3054404 (VCV003054404.4), dbSNP rs778246294, ClinGen allele CA487965460.